The following is an entry in ClinVar:

ClinVar aggregate classification (germline): Uncertain significance. Review status: criteria provided, multiple submitters, no conflicts (2 of 4 stars). 4 submissions from 4 submitters: Uncertain significance (4). Last evaluated 2026-07-06.

Conditions:
COL18A1-related disorder. Also called: COL18A1-related condition; COL18A1-related disorders.

Allele frequency attached by ClinVar (database versions not stated): ESP Exome Variant Server 0.00008; ExAC 0.00009; gnomAD exomes 0.00010; TOPMed 0.00029; gnomAD 0.00030 and 0.00034.
gnomAD v4.1: 126 of 1,612,010 alleles (0.0078%); highest among the groups gnomAD compares: African/African-American, 0.11%; 1 homozygote.

Submissions (4):

PreventionGenetics, part of Exact Sciences
Classification: Uncertain significance for COL18A1-related condition. Last evaluated: 2026-07-06. Review status: criteria provided, single submitter. Criteria: ACMG Guidelines, 2015. Collection method: clinical testing. Allele origin: germline.
Comment: The COL18A1 c.4436C>T variant is predicted to result in the amino acid substitution p.Thr1479Met. To our knowledge, this variant has not been reported in the literature. This variant is reported in 0.082% of alleles in individuals of African descent in gnomAD, which may be too frequent to be a primary cause of disease. Although we suspect that this variant may be benign, at this time, the clinical significance of this variant is uncertain due to the absence of conclusive functional and genetic evidence.

Women's Health and Genetics/Laboratory Corporation of America, LabCorp
Classification: Uncertain significance. Last evaluated: 2025-10-29. Review status: criteria provided, single submitter. Criteria: LabCorp Variant Classification Summary - May 2015. Collection method: clinical testing. Allele origin: germline.
Comment: Variant summary: COL18A1 c.3905C>T (p.Thr1302Met) results in a non-conservative amino acid change in the encoded protein sequence. Algorithms developed to predict the effect of missense changes on protein structure and function are either unavailable or do not agree on the potential impact of this missense change. The variant allele was found at a frequency of 9.5e-05 in 241718 control chromosomes. This frequency is not significantly higher than estimated for disease-causing variants in COL18A1, allowing no conclusion about variant significance. To our knowledge, no occurrence of c.3905C>T in individuals affected with COL18A1-related conditions and no experimental evidence demonstrating its impact on protein function have been reported. ClinVar contains an entry for this variant (Variation ID: 1212220). Based on the evidence outlined above, the variant was classified as uncertain significance.

GeneDx
Classification: Uncertain significance. Last evaluated: 2024-02-11. Review status: criteria provided, single submitter. Criteria: GeneDx Variant Classification Process June 2021. Collection method: clinical testing. Allele origin: germline. Affected: yes.
Comment: In silico analysis supports that this missense variant has a deleterious effect on protein structure/function; Has not been previously published as pathogenic or benign to our knowledge

Labcorp Genetics (formerly Invitae), Labcorp
Classification: Uncertain significance. Last evaluated: 2022-09-12. Review status: criteria provided, single submitter. Criteria: Invitae Variant Classification Sherloc (09022015). Collection method: clinical testing. Allele origin: germline.
Comment: This sequence change replaces threonine, which is neutral and polar, with methionine, which is neutral and non-polar, at codon 1299 of the COL18A1 protein (p.Thr1299Met). This variant is present in population databases (rs373708039, gnomAD 0.08%). This variant has not been reported in the literature in individuals affected with COL18A1-related conditions. ClinVar contains an entry for this variant (Variation ID: 1212220). Experimental studies and prediction algorithms are not available or were not evaluated, and the functional significance of this variant is currently unknown. In summary, the available evidence is currently insufficient to determine the role of this variant in disease. Therefore, it has been classified as a Variant of Uncertain Significance.

NM_001379500.1(COL18A1):c.3905C>T (p.Thr1302Met)

Genes: COL18A1 (collagen type XVIII alpha 1 chain; plus strand), SLC19A1 (solute carrier family 19 member 1; minus strand). Cytogenetic location: 21q22.3.
Variant type: single nucleotide variant.
Coding change: c.3905C>T on transcript NM_001379500.1 (MANE Select); coding-DNA position 3905, C replaced by T.
Protein change: p.Thr1302Met; replaces threonine 1302 with methionine.
Molecular consequence: missense variant.
Genome position (GRCh38, 1-based): chr21:45,512,283, C>T. VCF-style: chr21-45512283-C-T. GRCh37 (hg19) VCF-style: chr21-46932197-C-T.
Other names: NM_130445.2:c.3896C>T; c.4436C>T, p.Thr1479Met (NM_030582.4); c.5141C>T, p.Thr1714Met (NM_130444.3); c.4436C>T (NM_030582.3); short protein forms T1302M, T1479M, T1714M.
Identifiers: ClinVar variation 1212220 (VCV001212220.10), dbSNP rs373708039, ClinGen allele CA10068130.